The following is an entry in ClinVar:

NM_152598.4(MARCHF10):c.2329-9T>G

Gene: MARCHF10 (membrane associated ring-CH-type finger 10; minus strand). Cytogenetic location: 17q23.2.
Variant type: single nucleotide variant.
Coding change: c.2329-9T>G on transcript NM_152598.4 (MANE Select); 9 bases into the intron before coding-DNA position 2329, T replaced by G.
Molecular consequence: intron variant.
Genome position (GRCh38, 1-based): chr17:62,705,590, A>C on the plus strand (T>G on the coding strand, the complement: MARCHF10 is on the minus strand). VCF-style: chr17-62705590-A-C. GRCh37 (hg19) VCF-style: chr17-60782951-A-C.
Other names: NC_000017.10:g.60782951A>C; c.2443-9T>G (NM_001288779.2); c.2329-9T>G (NM_001100875.3); c.2326-9T>G (NM_001288780.2).
Identifiers: ClinVar variation 3053258 (VCV003053258.3), dbSNP rs145502705, ClinGen allele CA8696581.

ClinVar aggregate classification (germline): Benign (0 of 4 stars; one submission).

Conditions:
MARCHF10-related disorder. Also called: MARCHF10-related condition.

Allele frequency attached by ClinVar (database versions not stated): gnomAD exomes 0.00024; ExAC 0.00097; gnomAD 0.00249; ESP Exome Variant Server 0.00261; 1000 Genomes Project 0.00280; TOPMed 0.00306.
gnomAD v4.1: 746 of 1,613,622 alleles (0.046%); highest among the groups gnomAD compares: African/African-American, 0.86%; 2 homozygotes.

Submissions (4):

PreventionGenetics, part of Exact Sciences
Classification: Benign for MARCHF10-related condition. Last evaluated: 2019-08-20. Review status: no assertion criteria provided. Collection method: clinical testing. Allele origin: germline.
Comment: This variant is classified as benign based on ACMG/AMP sequence variant interpretation guidelines (Richards et al. 2015 PMID: 25741868, with internal and published modifications).

Dr. Peter K. Rogan Lab, Western University
No classification provided (evidence only). Condition: Familial cancer of breast. Review status: no classification provided. Collection method: in vitro. Allele origin: not applicable. Functional consequence: retained intron. Not counted in ClinVar's aggregate classification.

Dr. Peter K. Rogan Lab, Western University
No classification provided (evidence only). Condition: Familial cancer of breast. Review status: no classification provided. Collection method: in vitro. Allele origin: not applicable. Functional consequence: retained intron. Not counted in ClinVar's aggregate classification.

Dr. Peter K. Rogan Lab, Western University
No classification provided (evidence only). Condition: Uterine corpus endometrial carcinoma. Review status: no classification provided. Collection method: in vitro. Allele origin: not applicable. Functional consequence: skipped exon, retained intron. Not counted in ClinVar's aggregate classification.